The following is an entry in ClinVar:

ClinVar aggregate classification (germline): Uncertain significance (1 of 4 stars; one submission).

Conditions:
Cone-rod dystrophy. Also called: Cone/cone-rod dystrophy; Cone-rod degeneration. Identifiers: Orphanet 1872, MedGen C4085590, MONDO:0015993, HP:0000548.

Allele frequency attached by ClinVar (database versions not stated): gnomAD exomes below 0.00001.
gnomAD v4.1: 1 of 1,611,832 alleles (0.000062%); highest among the groups gnomAD compares: Non-Finnish European, 0.000085%; no homozygotes.

Submission:

DBGen Ocular Genomics
Classification: Uncertain significance for Cone-rod dystrophy. Last evaluated: 2022-01-01. Review status: criteria provided, single submitter. Criteria: ACMG Guidelines, 2015. Collection method: clinical testing. Allele origin: unknown. Inheritance: Autosomal dominant inheritance. Affected: yes.
Comment: Class 3 ACMG Guidelines, 2015

NM_130837.3(OPA1):c.1361T>C (p.Leu454Ser)

Gene: OPA1 (OPA1 mitochondrial dynamin like GTPase; plus strand). Cytogenetic location: 3q29.
Variant type: single nucleotide variant.
Coding change: c.1361T>C on transcript NM_130837.3 (MANE Select); coding-DNA position 1361, T replaced by C.
Protein change: p.Leu454Ser; replaces leucine 454 with serine.
Molecular consequence: missense variant.
Genome position (GRCh38, 1-based): chr3:193,643,428, T>C. VCF-style: chr3-193643428-T-C. GRCh37 (hg19) VCF-style: chr3-193361217-T-C.
Other names: c.827T>C, p.Leu276Ser (NM_001354663.2); c.824T>C, p.Leu275Ser (NM_001354664.2); c.1196T>C, p.Leu399Ser (NM_015560.3); c.1088T>C, p.Leu363Ser (NM_130831.3); c.1142T>C, p.Leu381Ser (NM_130832.3); c.1199T>C, p.Leu400Ser (NM_130833.3); c.1250T>C, p.Leu417Ser (NM_130834.3); c.1253T>C, p.Leu418Ser (NM_130835.3); and 1 more; short protein forms L275S, L276S, L363S, L381S, L399S, L400S, L417S, L418S.
Identifiers: ClinVar variation 2628042 (VCV002628042.2), dbSNP rs2474872043, ClinGen allele CA355789361.